The following is an entry in ClinVar:

ClinVar aggregate classification (germline): Uncertain significance (1 of 4 stars; one submission).

Conditions:
Ehlers-Danlos syndrome, spondylodysplastic type, 3. Also called: Ehlers-Danlos syndrome, spondylocheirodysplastic type. Identifiers: Orphanet 157965, MedGen C2676510, MONDO:0012873, OMIM 612350.

Submission:

Labcorp Genetics (formerly Invitae), Labcorp
Classification: Uncertain significance for Ehlers-Danlos syndrome, spondylodysplastic type, 3. Last evaluated: 2022-09-27. Review status: criteria provided, single submitter. Criteria: Invitae Variant Classification Sherloc (09022015). Collection method: clinical testing. Allele origin: germline.
Comment: This sequence change replaces valine, which is neutral and non-polar, with methionine, which is neutral and non-polar, at codon 327 of the SLC39A13 protein (p.Val327Met). This variant is not present in population databases (gnomAD no frequency). This variant has not been reported in the literature in individuals affected with SLC39A13-related conditions. ClinVar contains an entry for this variant (Variation ID: 665369). Advanced modeling of protein sequence and biophysical properties (such as structural, functional, and spatial information, amino acid conservation, physicochemical variation, residue mobility, and thermodynamic stability) performed at Invitae indicates that this missense variant is expected to disrupt SLC39A13 protein function. In summary, the available evidence is currently insufficient to determine the role of this variant in disease. Therefore, it has been classified as a Variant of Uncertain Significance.

NM_001128225.3(SLC39A13):c.1000G>A (p.Val334Met)

Gene: SLC39A13 (solute carrier family 39 member 13; plus strand). Cytogenetic location: 11p11.2.
Variant type: single nucleotide variant.
Coding change: c.1000G>A on transcript NM_001128225.3 (MANE Select); coding-DNA position 1000, G replaced by A.
Protein change: p.Val334Met; replaces valine 334 with methionine.
Molecular consequence: missense variant. On other transcripts: nonsense (1), non-coding transcript variant (1).
Genome position (GRCh38, 1-based): chr11:47,415,119, G>A. VCF-style: chr11-47415119-G-A. GRCh37 (hg19) VCF-style: chr11-47436670-G-A.
Other names: c.975G>A, p.Trp325Ter (NM_001330245.2); c.979G>A, p.Val327Met (NM_152264.5); short protein forms V334M, V327M, W325*.
Identifiers: ClinVar variation 665369 (VCV000665369.4), dbSNP rs1595887083, ClinGen allele CA380315041.